The following is an entry in ClinVar:

NM_004304.5(ALK):c.2738G>A (p.Trp913Ter)

Gene: ALK (ALK receptor tyrosine kinase; minus strand). Cytogenetic location: 2p23.2.
Variant type: single nucleotide variant.
Coding change: c.2738G>A on transcript NM_004304.5 (MANE Select); coding-DNA position 2738, G replaced by A.
Protein change: p.Trp913Ter; replaces tryptophan 913 with a stop codon.
Molecular consequence: nonsense.
Genome position (GRCh38, 1-based): chr2:29,228,961, C>T on the plus strand (G>A on the coding strand, the complement: ALK is on the minus strand). VCF-style: chr2-29228961-C-T. GRCh37 (hg19) VCF-style: chr2-29451827-C-T.
Other names: c.2738G>A (NM_004304.4); short protein forms W913*.
Identifiers: ClinVar variation 1062679 (VCV001062679.8), dbSNP rs1280277994, ClinGen allele CA346469754.

ClinVar aggregate classification (germline): Conflicting classifications of pathogenicity. Review status: criteria provided, conflicting classifications (1 of 4 stars). 2 submissions from 2 submitters: Uncertain significance (1); Likely benign (1). Last evaluated 2025-05-28.

Conditions:
Neuroblastoma, susceptibility to, 3. Also called: ALK-Related Neuroblastic Tumor Susceptibility. Identifiers: Orphanet 635, MedGen C2751681, MONDO:0013083, OMIM 613014.
Hereditary cancer-predisposing syndrome. Also called: Tumor predisposition; Neoplastic Syndromes, Hereditary; Hereditary Cancer Syndrome; Hereditary neoplastic syndrome. Identifiers: Orphanet 140162, MedGen C0027672, MeSH D009386, MONDO:0015356.

Submissions (2):

Ambry Genetics
Classification: Likely benign for Hereditary cancer-predisposing syndrome. Last evaluated: 2025-05-28. Review status: criteria provided, single submitter. Criteria: Ambry Variant Classification Scheme 2023. Collection method: clinical testing. Allele origin: germline.

Labcorp Genetics (formerly Invitae), Labcorp
Classification: Uncertain significance for Neuroblastoma, susceptibility to, 3. Last evaluated: 2022-09-25. Review status: criteria provided, single submitter. Criteria: Invitae Variant Classification Sherloc (09022015). Collection method: clinical testing. Allele origin: germline.
Comment: ClinVar contains an entry for this variant (Variation ID: 1062679). Algorithms developed to predict the effect of sequence changes on RNA splicing suggest that this variant may create or strengthen a splice site. In summary, the available evidence is currently insufficient to determine the role of this variant in disease. Therefore, it has been classified as a Variant of Uncertain Significance. This variant has not been reported in the literature in individuals affected with ALK-related conditions. This sequence change creates a premature translational stop signal (p.Trp913*) in the ALK gene. It is expected to result in an absent or disrupted protein product. However, the current clinical and genetic evidence is not sufficient to establish whether loss-of-function variants in ALK cause disease. This variant is present in population databases (no rsID available, gnomAD 0.007%).